The following is an entry in ClinVar:

NM_000501.4(ELN):c.949+5G>A

Gene: ELN (elastin; plus strand). Cytogenetic location: 7q11.23.
Variant type: single nucleotide variant.
Coding change: c.949+5G>A on transcript NM_000501.4 (MANE Select); 5 bases into the intron after coding-DNA position 949, G replaced by A.
Molecular consequence: intron variant.
Genome position (GRCh38, 1-based): chr7:74,051,988, G>A. VCF-style: chr7-74051988-G-A. GRCh37 (hg19) VCF-style: chr7-73466318-G-A.
Other names: c.964+5G>A (NM_001081754.3, NM_001081753.3); c.949+5G>A (NM_001278939.2, NM_001278915.2, NM_001278912.2 and 1 more transcripts); c.907+5G>A (NM_001278916.2); c.841+5G>A (NM_001278913.2); c.934+5G>A (NM_001278914.2); c.919+5G>A (NM_001278917.2, NM_001081752.3); c.817+5G>A (NM_001278918.2).
Identifiers: ClinVar variation 2052422 (VCV002052422.4), dbSNP rs1186175643, ClinGen allele CA575345601.

ClinVar aggregate classification (germline): Uncertain significance (1 of 4 stars; one submission).

Conditions:
Supravalvar aortic stenosis (SVAS). Also called: Supravalvar aortic stenosis, Eisenberg type. Identifiers: Orphanet 3193, MedGen C0003499, MONDO:0008504, OMIM 185500, HP:0004381.

Allele frequency attached by ClinVar (database versions not stated): gnomAD exomes 0.00001; TOPMed 0.00002.
gnomAD v4.1: 6 of 1,612,894 alleles (0.00037%); highest among the groups gnomAD compares: Middle Eastern, 0.018%; no homozygotes.

Submission:

Labcorp Genetics (formerly Invitae), Labcorp
Classification: Uncertain significance for Supravalvar aortic stenosis. Last evaluated: 2025-11-17. Review status: criteria provided, single submitter. Criteria: Invitae Variant Classification Sherloc (09022015). Collection method: clinical testing. Allele origin: germline.
Comment: This sequence change falls in intron 17 of the ELN gene. It does not directly change the encoded amino acid sequence of the ELN protein. It affects a nucleotide within the consensus splice site. This variant is present in population databases (no rsID available, gnomAD 0.002%). This variant has not been reported in the literature in individuals affected with ELN-related conditions. ClinVar contains an entry for this variant (Variation ID: 2052422). Variants that disrupt the consensus splice site are a relatively common cause of aberrant splicing (PMID: 17576681, 9536098). Algorithms developed to predict the effect of sequence changes on RNA splicing suggest that this variant may disrupt the consensus splice site. In summary, the available evidence is currently insufficient to determine the role of this variant in disease. Therefore, it has been classified as a Variant of Uncertain Significance.

Literature cited by the submitters: PubMed 17576681; PubMed 9536098.